The following is an entry in ClinVar:

NM_020937.4(FANCM):c.4857T>A (p.Ser1619Arg)

Gene: FANCM (FA complementation group M; plus strand). Cytogenetic location: 14q21.2.
Variant type: single nucleotide variant.
Coding change: c.4857T>A on transcript NM_020937.4 (MANE Select); coding-DNA position 4857, T replaced by A.
Protein change: p.Ser1619Arg; replaces serine 1619 with arginine.
Molecular consequence: missense variant.
Genome position (GRCh38, 1-based): chr14:45,188,879, T>A. VCF-style: chr14-45188879-T-A. GRCh37 (hg19) VCF-style: chr14-45658082-T-A.
Other names: c.4857T>A (LRG_502t1); c.4779T>A, p.Ser1593Arg (NM_001308133.2); short protein forms S1593R, S1619R.
Identifiers: ClinVar variation 639274 (VCV000639274.10), dbSNP rs1594814748, ClinGen allele CA389611185.

ClinVar aggregate classification (germline): Uncertain significance. Review status: criteria provided, multiple submitters, no conflicts (2 of 4 stars). 2 submissions from 2 submitters: Uncertain significance (2). Last evaluated 2025-09-28.

Conditions:
Inborn genetic diseases. Identifiers: MedGen C0950123, MeSH D030342.
Fanconi anemia (FA). Also called: Fanconi's anemia. Identifiers: Orphanet 84, MedGen C0015625, MeSH D005199, MONDO:0019391.

Allele frequency attached by ClinVar (database versions not stated): gnomAD exomes below 0.00001.
gnomAD v4.1: 1 of 1,613,768 alleles (0.000062%); highest among the groups gnomAD compares: Admixed American, 0.0017%; no homozygotes.

Submissions (2):

Ambry Genetics
Classification: Uncertain significance for Inborn genetic diseases. Last evaluated: 2025-09-28. Review status: criteria provided, single submitter. Criteria: Ambry Variant Classification Scheme 2023. Collection method: clinical testing. Allele origin: germline.

Labcorp Genetics (formerly Invitae), Labcorp
Classification: Uncertain significance for Fanconi anemia. Last evaluated: 2023-12-02. Review status: criteria provided, single submitter. Criteria: Invitae Variant Classification Sherloc (09022015). Collection method: clinical testing. Allele origin: germline.
Comment: This sequence change replaces serine, which is neutral and polar, with arginine, which is basic and polar, at codon 1619 of the FANCM protein (p.Ser1619Arg). This variant is not present in population databases (gnomAD no frequency). This variant has not been reported in the literature in individuals affected with FANCM-related conditions. ClinVar contains an entry for this variant (Variation ID: 639274). An algorithm developed to predict the effect of missense changes on protein structure and function (PolyPhen-2) suggests that this variant is likely to be disruptive. In summary, the available evidence is currently insufficient to determine the role of this variant in disease. Therefore, it has been classified as a Variant of Uncertain Significance.